The following is an entry in ClinVar:

NM_000059.4(BRCA2):c.681+4A>T

Gene: BRCA2 (BRCA2 DNA repair associated; plus strand). Cytogenetic location: 13q13.1.
Variant type: single nucleotide variant.
Coding change: c.681+4A>T on transcript NM_000059.4 (MANE Select); 4 bases into the intron after coding-DNA position 681, A replaced by T.
Molecular consequence: intron variant.
Genome position (GRCh38, 1-based): chr13:32,329,496, A>T. VCF-style: chr13-32329496-A-T. GRCh37 (hg19) VCF-style: chr13-32903633-A-T.
Identifiers: ClinVar variation 233034 (VCV000233034.16), dbSNP rs397507884, ClinGen allele CA10579468.

ClinVar aggregate classification (germline): Uncertain significance. Review status: criteria provided, multiple submitters, no conflicts (2 of 4 stars). 5 submissions from 5 submitters: Uncertain significance (5). Last evaluated 2025-10-18.

Conditions:
Hereditary cancer-predisposing syndrome. Also called: Hereditary Cancer Syndrome; Neoplastic Syndromes, Hereditary; Tumor predisposition; Hereditary neoplastic syndrome. Identifiers: Orphanet 140162, MedGen C0027672, MeSH D009386, MONDO:0015356.
Breast-ovarian cancer, familial, susceptibility to, 2 (BROVCA2). Also called: BRCA2 Hereditary Breast and Ovarian Cancer. Identifiers: Orphanet 145, MedGen C2675520, MONDO:0012933, OMIM 612555. Disease mechanism: loss of function.
Familial cancer of breast. Also called: Hereditary breast cancer; hereditary breast carcinoma; BREAST CANCER, FAMILIAL. Identifiers: Orphanet 227535, MedGen C0346153, MONDO:0016419, OMIM 114480. Disease mechanism: loss of function.
Hereditary breast ovarian cancer syndrome. Also called: Hereditary breast and/or ovarian cancer syndrome; BRCA1- and BRCA2-Associated Hereditary Breast and Ovarian Cancer; Hereditary breast and ovarian cancer syndrome (HBOC); Hereditary breast and ovarian cancer; Hereditary breast and ovarian cancer syndrome; Breast and ovarian cancer. Identifiers: Orphanet 145, MedGen C0677776, MeSH D061325, MONDO:0003582. Disease mechanism: loss of function.

gnomAD v4.1: 1 of 1,589,052 alleles (0.000063%); no homozygotes.

Submissions (5):

Ambry Genetics
Classification: Uncertain significance for Hereditary cancer-predisposing syndrome. Last evaluated: 2025-10-18. Review status: criteria provided, single submitter. Criteria: Ambry Variant Classification Scheme 2023. Collection method: clinical testing. Allele origin: germline.
Comment: The c.681+4A>T intronic variant results from an A to T substitution 4 nucleotides after coding exon 7 in the BRCA2 gene. This nucleotide position is highly conserved in available vertebrate species. In silico splice site analysis predicts that this alteration may weaken the native splice donor site. RNA studies have demonstrated that this alteration results in a splice defect; the clinical impact of this abnormal splicing is unknown at this time (Ambry internal data). Based on the available evidence, the clinical significance of this variant remains unclear.

Labcorp Genetics (formerly Invitae), Labcorp
Classification: Uncertain significance for Hereditary breast ovarian cancer syndrome. Last evaluated: 2024-09-24. Review status: criteria provided, single submitter. Criteria: Invitae Variant Classification Sherloc (09022015). Collection method: clinical testing. Allele origin: germline.
Comment: This sequence change falls in intron 8 of the BRCA2 gene. It does not directly change the encoded amino acid sequence of the BRCA2 protein. RNA analysis indicates that this variant induces altered splicing and may result in an absent or altered protein product. This variant is not present in population databases (gnomAD no frequency). This variant has not been reported in the literature in individuals affected with BRCA2-related conditions. ClinVar contains an entry for this variant (Variation ID: 233034). Variants that disrupt the consensus splice site are a relatively common cause of aberrant splicing (PMID: 17576681, 9536098). Studies have shown that this variant results in skipping of exon 8, and produces a non-functional protein and/or introduces a premature termination codon (internal data). In summary, the available evidence is currently insufficient to determine the role of this variant in disease. Therefore, it has been classified as a Variant of Uncertain Significance.

Baylor Genetics
Classification: Uncertain significance for Familial cancer of breast. Last evaluated: 2023-10-14. Review status: criteria provided, single submitter. Criteria: ACMG Guidelines, 2015. Collection method: clinical testing. Allele origin: unknown.

Department of Pathology and Laboratory Medicine, Sinai Health System
Classification: Uncertain significance for Familial cancer of breast; Breast-ovarian cancer, familial, susceptibility to, 2. Last evaluated: 2023-01-25. Review status: criteria provided, single submitter. Criteria: ACMG Guidelines, 2015. Collection method: research. Allele origin: germline.

Quest Diagnostics Nichols Institute San Juan Capistrano
Classification: Uncertain significance. Last evaluated: 2020-10-07. Review status: criteria provided, single submitter. Criteria: Quest Diagnostics criteria. Collection method: clinical testing. Allele origin: unknown.

Literature cited by the submitters: PubMed 30883759 (cited by Ambry Genetics); PubMed 17576681 (cited by Labcorp Genetics (formerly Invitae), Labcorp); PubMed 9536098 (cited by Labcorp Genetics (formerly Invitae), Labcorp).